The following is an entry in ClinVar:

ClinVar aggregate classification (germline): Uncertain significance (1 of 4 stars; one submission).

Conditions:
Familial sleep-related hypermotor epilepsy. Also called: Autosomal Dominant Sleep-Related Hypermotor (Hyperkinetic) Epilepsy. Identifiers: Orphanet 98784, MedGen C3696898, MONDO:0000030.

Allele frequency attached by ClinVar (database versions not stated): gnomAD 0.00001.

Submission:

Labcorp Genetics (formerly Invitae), Labcorp
Classification: Uncertain significance. Last evaluated: 2024-06-30. Review status: criteria provided, single submitter. Criteria: Invitae Variant Classification Sherloc (09022015). Collection method: clinical testing. Allele origin: germline.
Comment: This sequence change replaces valine, which is neutral and non-polar, with methionine, which is neutral and non-polar, at codon 62 of the CHRNB2 protein (p.Val62Met). This variant is not present in population databases (gnomAD no frequency). This variant has not been reported in the literature in individuals affected with CHRNB2-related conditions. ClinVar contains an entry for this variant (Variation ID: 2009506). Advanced modeling of protein sequence and biophysical properties (such as structural, functional, and spatial information, amino acid conservation, physicochemical variation, residue mobility, and thermodynamic stability) performed at Invitae indicates that this missense variant is not expected to disrupt CHRNB2 protein function with a negative predictive value of 80%. In summary, the available evidence is currently insufficient to determine the role of this variant in disease. Therefore, it has been classified as a Variant of Uncertain Significance.

NM_000748.3(CHRNB2):c.184G>A (p.Val62Met)

Gene: CHRNB2 (cholinergic receptor nicotinic beta 2 subunit; plus strand). Cytogenetic location: 1q21.3.
Variant type: single nucleotide variant.
Coding change: c.184G>A on transcript NM_000748.3 (MANE Select); coding-DNA position 184, G replaced by A.
Protein change: p.Val62Met; replaces valine 62 with methionine.
Molecular consequence: missense variant.
Genome position (GRCh38, 1-based): chr1:154,569,581, G>A. VCF-style: chr1-154569581-G-A. GRCh37 (hg19) VCF-style: chr1-154542057-G-A.
Other names: short protein forms V62M.
Identifiers: ClinVar variation 2009506 (VCV002009506.4), dbSNP rs1696125380, ClinGen allele CA342629417.